The following is an entry in ClinVar:

NM_020166.5(MCCC1):c.1681+2T>C

Gene: MCCC1 (methylcrotonyl-CoA carboxylase subunit 1; minus strand). Cytogenetic location: 3q27.1.
Variant type: single nucleotide variant.
Coding change: c.1681+2T>C on transcript NM_020166.5 (MANE Select); the canonical splice donor site of the intron after coding-DNA position 1681, T replaced by C.
Molecular consequence: splice donor variant.
Genome position (GRCh38, 1-based): chr3:183,033,989, A>G on the plus strand (T>C on the coding strand, the complement: MCCC1 is on the minus strand). VCF-style: chr3-183033989-A-G. GRCh37 (hg19) VCF-style: chr3-182751777-A-G.
Other names: c.1681+2T>C (NM_020166.4); c.1354+2T>C (NM_001363880.1); c.1330+2T>C (NM_001293273.2).
Identifiers: ClinVar variation 1491957 (VCV001491957.9), dbSNP rs1333994006, ClinGen allele CA355318206.
Genomic context (GRCh38, chr3:183,033,989, plus strand): 5'-TTTCAGATTAATGTGATACATTTCTATGACTCACATTTCTCTTTTAATGAAACATTACTT[A>G]CTGTTTTTACCATCTTTAAGAGTCATGTTTCTGGTATACGAGATATTCAGTCTTCTTCCA-3'

ClinVar aggregate classification (germline): Pathogenic/Likely pathogenic. Review status: criteria provided, multiple submitters, no conflicts (2 of 4 stars). 4 submissions from 4 submitters: Pathogenic (1); Likely pathogenic (3). Last evaluated 2024-11-13.

Conditions:
MCCC1-related disorder. Also called: MCCC1-related condition.
3-methylcrotonyl-CoA carboxylase 1 deficiency (MCC1D). Also called: MCC 1 deficiency; 3 Alpha methylcrotonylglycinuria 1; MCCD TYPE 1; METHYLCROTONYLGLYCINURIA TYPE I. Identifiers: Orphanet 6, MedGen CN028786, MONDO:0008861, OMIM 210200.

Allele frequency attached by ClinVar (database versions not stated): gnomAD exomes below 0.00001 and 0.00001.

Submissions (4):

Revvity Omics, Revvity
Classification: Likely pathogenic for 3-methylcrotonyl-CoA carboxylase 1 deficiency. Last evaluated: 2024-11-13. Review status: criteria provided, single submitter. Criteria: ACMG Guidelines, 2015. Collection method: clinical testing. Allele origin: germline.

Natera, Inc.
Classification: Likely pathogenic for 3-methylcrotonyl-CoA carboxylase 1 deficiency. Last evaluated: 2024-10-06. Review status: criteria provided, single submitter. Criteria: Natera Variant Classification Schema (03/2026). Collection method: clinical testing. Allele origin: germline.
Comment: The c.1681+2T>C variant in MCCC1 is a canonical splice donor site variant predicted to affect pre-mRNA splicing, which may result in an abnormal transcript and altered protein product. This variant is expected to result in nonsense mediated decay, truncation, or a dysfunctional protein product. This variant is rare in the general population with a frequency below the threshold expected for the associated phenotype(s). Given the available evidence, this variant is classified as Likely Pathogenic.

Labcorp Genetics (formerly Invitae), Labcorp
Classification: Likely pathogenic for 3-methylcrotonyl-CoA carboxylase 1 deficiency. Last evaluated: 2023-04-12. Review status: criteria provided, single submitter. Criteria: Invitae Variant Classification Sherloc (09022015). Collection method: clinical testing. Allele origin: germline.
Comment: This sequence change affects a donor splice site in intron 14 of the MCCC1 gene. It is expected to disrupt RNA splicing. Variants that disrupt the donor or acceptor splice site typically lead to a loss of protein function (PMID: 16199547), and loss-of-function variants in MCCC1 are known to be pathogenic (PMID: 11181649, 15359379, 22642865). This variant is present in population databases (no rsID available, gnomAD 0.007%). This variant has not been reported in the literature in individuals affected with MCCC1-related conditions. ClinVar contains an entry for this variant (Variation ID: 1491957). Algorithms developed to predict the effect of sequence changes on RNA splicing suggest that this variant may disrupt the consensus splice site. In summary, the currently available evidence indicates that the variant is pathogenic, but additional data are needed to prove that conclusively. Therefore, this variant has been classified as Likely Pathogenic.

PreventionGenetics, part of Exact Sciences
Classification: Pathogenic for MCCC1-related condition. Last evaluated: 2022-08-26. Review status: criteria provided, single submitter. Criteria: ACMG Guidelines, 2015. Collection method: clinical testing. Allele origin: germline.
Comment: The MCCC1 c.1681+2T>C variant is predicted to disrupt the GT donor site and interfere with normal splicing. To our knowledge, this variant has not been reported in the literature. This variant is reported in 0.0065% of alleles in individuals of South Asian descent in gnomAD. Variants that disrupt consensus splice donor sites in MCCC1 are expected to be pathogenic. Therefore, we interpret this variant as pathogenic.

Literature cited by the submitters: PubMed 16199547 (cited by Labcorp Genetics (formerly Invitae), Labcorp); PubMed 11181649 (cited by Labcorp Genetics (formerly Invitae), Labcorp); PubMed 15359379 (cited by Labcorp Genetics (formerly Invitae), Labcorp); PubMed 22642865 (cited by Labcorp Genetics (formerly Invitae), Labcorp).